The following is an entry in ClinVar:

ClinVar aggregate classification (germline): Uncertain significance (1 of 4 stars; one submission).

Conditions:
Emery-Dreifuss muscular dystrophy 5, autosomal dominant (EDMD5). Also called: EMERY-DREIFUSS MUSCULAR DYSTROPHY 5. Identifiers: Orphanet 261, MedGen C2751805, MONDO:0013072, OMIM 612999.

gnomAD v4.1: 5 of 1,613,374 alleles (0.00031%); highest among the groups gnomAD compares: Non-Finnish European, 0.00042%; no homozygotes.

Submission:

Labcorp Genetics (formerly Invitae), Labcorp
Classification: Uncertain significance for Emery-Dreifuss muscular dystrophy 5, autosomal dominant. Last evaluated: 2025-05-14. Review status: criteria provided, single submitter. Criteria: Invitae Variant Classification Sherloc (09022015). Collection method: clinical testing. Allele origin: germline.
Comment: This sequence change replaces arginine, which is basic and polar, with serine, which is neutral and polar, at codon 91 of the SYNE2 protein (p.Arg91Ser). This variant is present in population databases (no rsID available, gnomAD 0.002%). This variant has not been reported in the literature in individuals affected with SYNE2-related conditions. ClinVar contains an entry for this variant (Variation ID: 3717201). An algorithm developed to predict the effect of missense changes on protein structure and function (PolyPhen-2) suggests that this variant is likely to be disruptive. In summary, the available evidence is currently insufficient to determine the role of this variant in disease. Therefore, it has been classified as a Variant of Uncertain Significance.

NM_182914.3(SYNE2):c.273A>C (p.Arg91Ser)

Gene: SYNE2 (spectrin repeat containing nuclear envelope protein 2; plus strand). Cytogenetic location: 14q23.2.
Variant type: single nucleotide variant.
Coding change: c.273A>C on transcript NM_182914.3 (MANE Select); coding-DNA position 273, A replaced by C.
Protein change: p.Arg91Ser; replaces arginine 91 with serine.
Molecular consequence: missense variant.
Genome position (GRCh38, 1-based): chr14:63,941,920, A>C. VCF-style: chr14-63941920-A-C. GRCh37 (hg19) VCF-style: chr14-64408638-A-C.
Other names: c.273A>C, p.Arg91Ser (NM_015180.6); short protein forms R91S.
Identifiers: ClinVar variation 3717201 (VCV003717201.2).